The following is an entry in ClinVar:

ClinVar aggregate classification (germline): Uncertain significance. Review status: criteria provided, multiple submitters, no conflicts (2 of 4 stars). 3 submissions from 3 submitters: Uncertain significance (2). 1 of the submissions does not count toward it. Last evaluated 2022-04-30.

Conditions:
Usher syndrome type 1F (USH1F). Also called: USHER SYNDROME, TYPE IF. Identifiers: Orphanet 231169, Orphanet 886, MedGen C1865885, MONDO:0011186, OMIM 602083.

Allele frequency attached by ClinVar (database versions not stated): gnomAD below 0.00001 and 0.00001; gnomAD exomes 0.00001; ExAC 0.00006.
gnomAD v4.1: 23 of 1,611,306 alleles (0.0014%); highest among the groups gnomAD compares: South Asian, 0.023%; no homozygotes.

Submissions (3):

Labcorp Genetics (formerly Invitae), Labcorp
Classification: Uncertain significance. Last evaluated: 2022-04-30. Review status: criteria provided, single submitter. Criteria: Invitae Variant Classification Sherloc (09022015). Collection method: clinical testing. Allele origin: germline.
Comment: This sequence change replaces serine, which is neutral and polar, with phenylalanine, which is neutral and non-polar, at codon 325 of the PCDH15 protein (p.Ser325Phe). This variant is present in population databases (rs145011716, gnomAD 0.03%). This variant has not been reported in the literature in individuals affected with PCDH15-related conditions. ClinVar contains an entry for this variant (Variation ID: 517443). Algorithms developed to predict the effect of missense changes on protein structure and function are either unavailable or do not agree on the potential impact of this missense change (SIFT: "Deleterious"; PolyPhen-2: "Benign"; Align-GVGD: "Class C15"). In summary, the available evidence is currently insufficient to determine the role of this variant in disease. Therefore, it has been classified as a Variant of Uncertain Significance.

Laboratory for Molecular Medicine, Mass General Brigham Personalized Medicine
Classification: Uncertain significance. Last evaluated: 2017-09-19. Review status: criteria provided, single submitter. Criteria: LMM Criteria. Collection method: clinical testing. Allele origin: germline. Observed: 2 variant alleles.
Comment: Variant classified as Uncertain Significance - Favor Benign. It has a lso been identified in 9/30780 of South Asian chromosomes by the Genome Aggregat ion Database (gnomAD; dbSNP rs145011716). Comp utational prediction tools and conservation analysis do not provide strong suppo rt for or against an impact to the protein. In summary, while the clinical signi ficance of the p.Ser325Phe variant is uncertain, its homozygosity in an apparent ly unaffected individual suggests that it is more likely to be benign.

Natera, Inc.
Classification: Uncertain significance for Usher syndrome type 1F. Last evaluated: 2019-11-11. Review status: no assertion criteria provided. Collection method: clinical testing. Allele origin: germline. Not counted in ClinVar's aggregate classification.

NM_001384140.1(PCDH15):c.974C>T (p.Ser325Phe)

Gene: PCDH15 (protocadherin related 15; minus strand). Cytogenetic location: 10q21.1.
Variant type: single nucleotide variant.
Coding change: c.974C>T on transcript NM_001384140.1 (MANE Select); coding-DNA position 974, C replaced by T.
Protein change: p.Ser325Phe; replaces serine 325 with phenylalanine.
Molecular consequence: missense variant.
Genome position (GRCh38, 1-based): chr10:54,236,834, G>A on the plus strand (C>T on the coding strand, the complement: PCDH15 is on the minus strand). VCF-style: chr10-54236834-G-A. GRCh37 (hg19) VCF-style: chr10-55996594-G-A.
Other names: c.989C>T, p.Ser330Phe (NM_001142763.2, NM_001142769.4, NM_001142771.2); c.974C>T, p.Ser325Phe (NM_001142764.2, NM_001142765.2, NM_001142766.2 and 7 more transcripts); c.863C>T, p.Ser288Phe (NM_001142767.2); c.908C>T, p.Ser303Phe (NM_001142768.2, NM_001142773.2, NM_001354404.2); short protein forms S325F, S288F, S303F, S330F.
Identifiers: ClinVar variation 517443 (VCV000517443.8), dbSNP rs145011716, ClinGen allele CA5506529.